The following is an entry in ClinVar:

ClinVar aggregate classification (germline): Uncertain significance (1 of 4 stars; one submission).

Conditions:
Fanconi anemia complementation group J. Also called: BRIP1-Related Fanconi Anemia. Identifiers: Orphanet 84, MedGen C1836860, MONDO:0012187, OMIM 609054.
Familial cancer of breast. Also called: hereditary breast carcinoma; BREAST CANCER, FAMILIAL; Hereditary breast cancer. Identifiers: Orphanet 227535, MedGen C0346153, MONDO:0016419, OMIM 114480. Disease mechanism: loss of function.

gnomAD v4.1: 1 of 1,614,194 alleles (0.000062%); highest among the groups gnomAD compares: Non-Finnish European, 0.000085%; no homozygotes.

Submission:

Labcorp Genetics (formerly Invitae), Labcorp
Classification: Uncertain significance for Familial cancer of breast; Fanconi anemia complementation group J. Last evaluated: 2024-01-18. Review status: criteria provided, single submitter. Criteria: Invitae Variant Classification Sherloc (09022015). Collection method: clinical testing. Allele origin: germline.
Comment: This sequence change replaces valine, which is neutral and non-polar, with leucine, which is neutral and non-polar, at codon 586 of the BRIP1 protein (p.Val586Leu). This variant is not present in population databases (gnomAD no frequency). This variant has not been reported in the literature in individuals affected with BRIP1-related conditions. Advanced modeling of protein sequence and biophysical properties (such as structural, functional, and spatial information, amino acid conservation, physicochemical variation, residue mobility, and thermodynamic stability) performed at Invitae indicates that this missense variant is not expected to disrupt BRIP1 protein function with a negative predictive value of 80%. In summary, the available evidence is currently insufficient to determine the role of this variant in disease. Therefore, it has been classified as a Variant of Uncertain Significance.

NM_032043.3(BRIP1):c.1756G>C (p.Val586Leu)

Gene: BRIP1 (BRCA1 interacting DNA helicase 1; minus strand). Cytogenetic location: 17q23.2.
Variant type: single nucleotide variant.
Coding change: c.1756G>C on transcript NM_032043.3 (MANE Select); coding-DNA position 1756, G replaced by C.
Protein change: p.Val586Leu; replaces valine 586 with leucine.
Molecular consequence: missense variant.
Genome position (GRCh38, 1-based): chr17:61,780,878, C>G on the plus strand (G>C on the coding strand, the complement: BRIP1 is on the minus strand). VCF-style: chr17-61780878-C-G. GRCh37 (hg19) VCF-style: chr17-59858239-C-G.
Other names: short protein forms V586L.
Identifiers: ClinVar variation 2922280 (VCV002922280.3), dbSNP rs1567813429, ClinGen allele CA400480321.